The following is an entry in ClinVar:

ClinVar aggregate classification (germline): Uncertain significance (1 of 4 stars; one submission).

Conditions:
MHC class I deficiency. Identifiers: Orphanet 34592, MedGen C6024714, MONDO:0011476.

Submission:

Labcorp Genetics (formerly Invitae), Labcorp
Classification: Uncertain significance for MHC class I deficiency 1. Last evaluated: 2018-09-27. Review status: criteria provided, single submitter. Criteria: Invitae Variant Classification Sherloc (09022015). Collection method: clinical testing. Allele origin: unknown.
Comment: In summary, the available evidence is currently insufficient to determine the role of this variant in disease. Therefore, it has been classified as a Variant of Uncertain Significance. The current clinical and genetic evidence is not sufficient to establish whether loss-of-function variants in TAPBP cause disease. This variant has not been reported in the literature in individuals with TAPBP-related disease. This variant is a deletion of the genomic region encompassing exon 3 and part of exon 2 (c.129_470-3609del) of the TAPBP gene. It is expected to disrupt RNA splicing and likely results in an absent or disrupted protein product.

NC_000006.11:g.(?_33276773)_(33281550_?)del

Gene: TAPBP (TAP binding protein; minus strand). Cytogenetic location: 6p21.32.
Variant type: Deletion.
Identifiers: ClinVar variation 3246014 (VCV003246014.1).